The following is an entry in ClinVar:

ClinVar aggregate classification (germline): Uncertain significance (1 of 4 stars; one submission).

Conditions:
Diffuse cerebral and cerebellar atrophy - intractable seizures - progressive microcephaly syndrome. Also called: Microcephaly, progressive, with seizures and cerebral and cerebellar atrophy. Identifiers: Orphanet 404437, MedGen C4014239, MONDO:0014335, OMIM 615760.

Submission:

Labcorp Genetics (formerly Invitae), Labcorp
Classification: Uncertain significance for Diffuse cerebral and cerebellar atrophy - intractable seizures - progressive microcephaly syndrome. Last evaluated: 2022-09-12. Review status: criteria provided, single submitter. Criteria: Invitae Variant Classification Sherloc (09022015). Collection method: clinical testing. Allele origin: germline.
Comment: This sequence change replaces proline, which is neutral and non-polar, with serine, which is neutral and polar, at codon 85 of the QARS protein (p.Pro85Ser). This variant is not present in population databases (gnomAD no frequency). This variant has not been reported in the literature in individuals affected with QARS-related conditions. ClinVar contains an entry for this variant (Variation ID: 1412458). Algorithms developed to predict the effect of missense changes on protein structure and function (SIFT, PolyPhen-2, Align-GVGD) all suggest that this variant is likely to be tolerated. In summary, the available evidence is currently insufficient to determine the role of this variant in disease. Therefore, it has been classified as a Variant of Uncertain Significance.

NM_005051.3(QARS1):c.253C>T (p.Pro85Ser)

Gene: QARS1 (glutaminyl-tRNA synthetase 1; minus strand). Cytogenetic location: 3p21.31.
Variant type: single nucleotide variant.
Coding change: c.253C>T on transcript NM_005051.3 (MANE Select); coding-DNA position 253, C replaced by T.
Protein change: p.Pro85Ser; replaces proline 85 with serine.
Molecular consequence: missense variant. On other transcripts: intron variant (1).
Genome position (GRCh38, 1-based): chr3:49,104,336, G>A on the plus strand (C>T on the coding strand, the complement: QARS1 is on the minus strand). VCF-style: chr3-49104336-G-A. GRCh37 (hg19) VCF-style: chr3-49141769-G-A.
Other names: c.232+21C>T (NM_001272073.2); short protein forms P85S.
Identifiers: ClinVar variation 1412458 (VCV001412458.6), dbSNP rs1264945460, ClinGen allele CA352722391.